The following is an entry in ClinVar:

NM_001375380.1(EBF3):c.1372+3A>G

Gene: EBF3 (EBF transcription factor 3; minus strand). Cytogenetic location: 10q26.3.
Variant type: single nucleotide variant.
Coding change: c.1372+3A>G on transcript NM_001375380.1 (MANE Select); 3 bases into the intron after coding-DNA position 1372, A replaced by G.
Molecular consequence: intron variant.
Genome position (GRCh38, 1-based): chr10:129,842,113, T>C on the plus strand (A>G on the coding strand, the complement: EBF3 is on the minus strand). VCF-style: chr10-129842113-T-C. GRCh37 (hg19) VCF-style: chr10-131640377-T-C.
Other names: c.1345+3A>G (NM_001375392.1, NM_001005463.3, NM_001375390.1); c.1372+3A>G (NM_001375391.1, NM_001375389.1, NM_001375379.1).
Identifiers: ClinVar variation 1029993 (VCV001029993.1), dbSNP rs779628419, ClinGen allele CA5748394.

ClinVar aggregate classification (germline): Uncertain significance (1 of 4 stars; one submission).

Conditions:
Hypotonia, ataxia, and delayed development syndrome (HADDS). Also called: EBF3 Neurodevelopmental Disorder. Identifiers: Orphanet 658843, MedGen C4310618, MONDO:0015021, OMIM 617330.

Allele frequency attached by ClinVar (database versions not stated): gnomAD 0.00001; TOPMed 0.00001; gnomAD exomes 0.00007; ExAC 0.00008.
gnomAD v4.1: 46 of 1,614,076 alleles (0.0028%); highest among the groups gnomAD compares: Middle Eastern, 0.099%; no homozygotes.

Submission:

Baylor Genetics
Classification: Uncertain significance for Hypotonia, ataxia, and delayed development syndrome. Last evaluated: 2020-02-03. Review status: criteria provided, single submitter. Criteria: ACMG Guidelines, 2015. Collection method: clinical testing. Allele origin: unknown. Affected: yes.
Comment: This variant was determined to be of uncertain significance according to ACMG Guidelines, 2015 [PMID:25741868].